The following is an entry in ClinVar:

NM_000305.3(PON2):c.695+14T>C

Genes: ASB4 (ankyrin repeat and SOCS box containing 4; plus strand), PON2 (paraoxonase 2; minus strand), LOC107986822 (uncharacterized LOC107986822; plus strand). Cytogenetic location: 7q21.3.
Variant type: single nucleotide variant.
Coding change: c.695+14T>C on transcript NM_000305.3 (MANE Select); 14 bases into the intron after coding-DNA position 695, T replaced by C.
Molecular consequence: intron variant.
Genome position (GRCh38, 1-based): chr7:95,409,887, A>G on the plus strand (T>C on the coding strand, the complement: PON2 is on the minus strand). VCF-style: chr7-95409887-A-G. GRCh37 (hg19) VCF-style: chr7-95039199-A-G.
Other names: c.659+14T>C (NM_001018161.2).
Identifiers: ClinVar variation 917705 (VCV000917705.1), dbSNP rs372870308, ClinGen allele CA4351000.

ClinVar aggregate classification (germline): Benign (1 of 4 stars; one submission).

Allele frequency attached by ClinVar (database versions not stated): ExAC 0.00010; gnomAD exomes 0.00016 and 0.00044; ESP Exome Variant Server 0.00023; gnomAD 0.00023 and 0.00026; TOPMed 0.00024.
gnomAD v4.1: 671 of 1,609,742 alleles (0.042%); highest among the groups gnomAD compares: Non-Finnish European, 0.055%; 1 homozygote.

Submission:

Women's Health and Genetics/Laboratory Corporation of America, LabCorp
Classification: Benign. Last evaluated: 2020-02-03. Review status: criteria provided, single submitter. Criteria: LabCorp Variant Classification Summary - May 2015. Collection method: clinical testing. Allele origin: germline.
Comment: Variant summary: PON2 c.695+14T>C alters a non-conserved nucleotide located close to a canonical splice site and therefore could affect mRNA splicing, leading to a significantly altered protein sequence. 4/4 computational tools predict no significant impact on normal splicing. However, these predictions have yet to be confirmed by functional studies. The variant allele was found at a frequency of 0.00016 in 250716 control chromosomes, predominantly at a frequency of 0.00032 within the Non-Finnish European subpopulation in the gnomAD database. The observed variant frequency within Non-Finnish European control individuals in the gnomAD database is approximately 16 fold of the estimated maximal expected allele frequency for a pathogenic variant in PON2 causing Early Onset Coronary Artery Disease phenotype (2e-05), strongly suggesting that the variant is a benign polymorphism found primarily in populations of Non-Finnish European origin. To our knowledge, no occurrence of c.695+14T>C in individuals affected with Early Onset Coronary Artery Disease and no experimental evidence demonstrating its impact on protein function have been reported. No clinical diagnostic laboratories have submitted clinical-significance assessments for this variant to ClinVar after 2014. Based on the evidence outlined above, the variant was classified as benign.